The following is an entry in ClinVar:

NM_004366.6(CLCN2):c.1027C>T (p.Arg343Trp)

Gene: CLCN2 (chloride voltage-gated channel 2; minus strand). Cytogenetic location: 3q27.1.
Variant type: single nucleotide variant.
Coding change: c.1027C>T on transcript NM_004366.6 (MANE Select); coding-DNA position 1027, C replaced by T.
Protein change: p.Arg343Trp; replaces arginine 343 with tryptophan.
Molecular consequence: missense variant.
Genome position (GRCh38, 1-based): chr3:184,357,051, G>A on the plus strand (C>T on the coding strand, the complement: CLCN2 is on the minus strand). VCF-style: chr3-184357051-G-A. GRCh37 (hg19) VCF-style: chr3-184074839-G-A.
Other names: c.1027C>T, p.Arg343Trp (NM_001171087.3, NM_001171089.3); c.895C>T, p.Arg299Trp (NM_001171088.3); short protein forms R343W, R299W.
Identifiers: ClinVar variation 3704213 (VCV003704213.2).

ClinVar aggregate classification (germline): Uncertain significance (1 of 4 stars; one submission).

gnomAD v4.1: 27 of 1,613,664 alleles (0.0017%); highest among the groups gnomAD compares: African/African-American, 0.0093%; no homozygotes.

Submission:

Labcorp Genetics (formerly Invitae), Labcorp
Classification: Uncertain significance. Last evaluated: 2024-12-26. Review status: criteria provided, single submitter. Criteria: Invitae Variant Classification Sherloc (09022015). Collection method: clinical testing. Allele origin: germline.
Comment: This sequence change replaces arginine, which is basic and polar, with tryptophan, which is neutral and slightly polar, at codon 343 of the CLCN2 protein (p.Arg343Trp). This variant is present in population databases (rs780992089, gnomAD 0.02%). This variant has not been reported in the literature in individuals affected with CLCN2-related conditions. Invitae Evidence Modeling of protein sequence and biophysical properties (such as structural, functional, and spatial information, amino acid conservation, physicochemical variation, residue mobility, and thermodynamic stability) indicates that this missense variant is expected to disrupt CLCN2 protein function with a positive predictive value of 80%. In summary, the available evidence is currently insufficient to determine the role of this variant in disease. Therefore, it has been classified as a Variant of Uncertain Significance.